The following is an entry in ClinVar:

ClinVar aggregate classification (germline): Likely benign. Review status: criteria provided, multiple submitters, no conflicts (2 of 4 stars). 3 submissions from 3 submitters: Likely benign (3). Last evaluated 2025-10-01.

Conditions:
Inborn genetic diseases. Identifiers: MedGen C0950123, MeSH D030342.
Neuropathy, hereditary sensory, type 2C. Also called: Hereditary sensory and autonomic neuropathy type IIC; KIF1A-Related HSAN2 (HSAN2C). Identifiers: Orphanet 970, MedGen C3280168, MONDO:0013634, OMIM 614213.
Intellectual disability, autosomal dominant 9 (NESCAVS). Also called: NESCAV SYNDROME; KIF1A-Related Neurodevelopmental Disorder. Identifiers: Orphanet 662367, MedGen C5393830, MONDO:0013656, OMIM 614255.
Hereditary spastic paraplegia 30. Identifiers: Orphanet 101010, MedGen C5235139, MONDO:0012476.

Allele frequency attached by ClinVar (database versions not stated): gnomAD exomes 0.00001 and 0.00002; TOPMed 0.00001; gnomAD 0.00003; ExAC 0.00005.
gnomAD v4.1: 23 of 1,563,102 alleles (0.0015%); highest among the groups gnomAD compares: Admixed American, 0.0019%; no homozygotes.

Submissions (3):

Labcorp Genetics (formerly Invitae), Labcorp
Classification: Likely benign for Hereditary spastic paraplegia 30; Neuropathy, hereditary sensory, type 2C; Intellectual disability, autosomal dominant 9. Last evaluated: 2025-10-01. Review status: criteria provided, single submitter. Criteria: Invitae Variant Classification Sherloc (09022015). Collection method: clinical testing. Allele origin: germline.

Ambry Genetics
Classification: Likely benign for Inborn genetic diseases. Last evaluated: 2019-07-11. Review status: criteria provided, single submitter. Criteria: Ambry Variant Classification Scheme 2023. Collection method: clinical testing. Allele origin: germline.

GeneDx
Classification: Likely benign. Last evaluated: 2017-09-08. Review status: criteria provided, single submitter. Criteria: GeneDx Variant Classification (06012015). Collection method: clinical testing. Allele origin: germline. Affected: yes.
Comment: This variant is considered likely benign or benign based on one or more of the following criteria: it is a conservative change, it occurs at a poorly conserved position in the protein, it is predicted to be benign by multiple in silico algorithms, and/or has population frequency not consistent with disease.

NM_001244008.2(KIF1A):c.4530G>A (p.Pro1510=)

Gene: KIF1A (kinesin family member 1A; minus strand). Cytogenetic location: 2q37.3.
Variant type: single nucleotide variant.
Coding change: c.4530G>A on transcript NM_001244008.2 (MANE Select); coding-DNA position 4530, G replaced by A.
Protein change: p.Pro1510=; no amino-acid change (proline 1510 retained).
Molecular consequence: synonymous variant.
Genome position (GRCh38, 1-based): chr2:240,722,591, C>T on the plus strand (G>A on the coding strand, the complement: KIF1A is on the minus strand). VCF-style: chr2-240722591-C-T. GRCh37 (hg19) VCF-style: chr2-241662008-C-T.
Other names: c.4254G>A, p.Pro1418= (NM_001320705.2, NM_001379649.1); c.4281G>A, p.Pro1427= (NM_001330289.2); c.4329G>A, p.Pro1443= (NM_001330290.2, NM_001379648.1); c.4605G>A, p.Pro1535= (NM_001379631.1); c.4506G>A, p.Pro1502= (NM_001379632.1); c.4503G>A, p.Pro1501= (NM_001379633.1, NM_001379645.1); c.4356G>A, p.Pro1452= (NM_001379634.1); c.4353G>A, p.Pro1451= (NM_001379635.1, NM_001379646.1); and 7 more.
Identifiers: ClinVar variation 511999 (VCV000511999.11), dbSNP rs767349300, ClinGen allele CA2207394.
Genomic context (GRCh38, chr2:240,722,591, plus strand): 5'-GGAGGCGCTGGAGGAGCCATGGGACTCAGAGTCCTCGCTGAAGGCCGGGGACAGTGCCTC[C>T]GGGACAGGCCGCTGGGCGGTCTCCAGCTTCTCCCGCAGGAGCAGGTAGTGCCTAGTCTTC-3'
Protein context (NP_001230937.1, residues 1500-1520): EKLETAQRPV[Pro1510=]EALSPAFSED